The following is an entry in ClinVar:

NM_003482.4(KMT2D):c.6711G>T (p.Gln2237His)

Gene: KMT2D (lysine methyltransferase 2D; minus strand). Cytogenetic location: 12q13.12.
Variant type: single nucleotide variant.
Coding change: c.6711G>T on transcript NM_003482.4 (MANE Select); coding-DNA position 6711, G replaced by T.
Protein change: p.Gln2237His; replaces glutamine 2237 with histidine.
Molecular consequence: missense variant.
Genome position (GRCh38, 1-based): chr12:49,041,059, C>A on the plus strand (G>T on the coding strand, the complement: KMT2D is on the minus strand). VCF-style: chr12-49041059-C-A. GRCh37 (hg19) VCF-style: chr12-49434842-C-A.
Other names: short protein forms Q2237H.
Identifiers: ClinVar variation 3635142 (VCV003635142.2).

ClinVar aggregate classification (germline): Uncertain significance (1 of 4 stars; one submission).

Conditions:
Kabuki syndrome. Also called: NIIKAWA-KUROKI SYNDROME; Kabuki make-up syndrome. Identifiers: Orphanet 2322, MedGen C0796004, MONDO:0016512.

Submission:

Labcorp Genetics (formerly Invitae), Labcorp
Classification: Uncertain significance for Kabuki syndrome. Last evaluated: 2024-10-03. Review status: criteria provided, single submitter. Criteria: Invitae Variant Classification Sherloc (09022015). Collection method: clinical testing. Allele origin: germline.
Comment: This sequence change replaces glutamine, which is neutral and polar, with histidine, which is basic and polar, at codon 2237 of the KMT2D protein (p.Gln2237His). This variant is not present in population databases (gnomAD no frequency). This variant has not been reported in the literature in individuals affected with KMT2D-related conditions. Invitae Evidence Modeling of protein sequence and biophysical properties (such as structural, functional, and spatial information, amino acid conservation, physicochemical variation, residue mobility, and thermodynamic stability) indicates that this missense variant is not expected to disrupt KMT2D protein function with a negative predictive value of 95%. In summary, the available evidence is currently insufficient to determine the role of this variant in disease. Therefore, it has been classified as a Variant of Uncertain Significance.